The following is an entry in ClinVar:

ClinVar aggregate classification (germline): Uncertain significance (1 of 4 stars; one submission).

Allele frequency attached by ClinVar (database versions not stated): TOPMed 0.00002; gnomAD 0.00003; gnomAD exomes 0.00004; ExAC 0.00008.
gnomAD v4.1: 58 of 1,613,748 alleles (0.0036%); highest among the groups gnomAD compares: Non-Finnish European, 0.0047%; no homozygotes.

Submission:

Labcorp Genetics (formerly Invitae), Labcorp
Classification: Uncertain significance. Last evaluated: 2022-06-22. Review status: criteria provided, single submitter. Criteria: Invitae Variant Classification Sherloc (09022015). Collection method: clinical testing. Allele origin: germline.
Comment: This variant is present in population databases (rs746571019, gnomAD 0.01%). This sequence change replaces valine, which is neutral and non-polar, with methionine, which is neutral and non-polar, at codon 2045 of the HERC1 protein (p.Val2045Met). This variant has not been reported in the literature in individuals affected with HERC1-related conditions. In summary, the available evidence is currently insufficient to determine the role of this variant in disease. Therefore, it has been classified as a Variant of Uncertain Significance. Algorithms developed to predict the effect of missense changes on protein structure and function are either unavailable or do not agree on the potential impact of this missense change (SIFT: "Deleterious"; PolyPhen-2: "Benign"; Align-GVGD: "Class C15").

NM_003922.4(HERC1):c.6133G>A (p.Val2045Met)

Gene: HERC1 (HECT and RLD domain containing E3 ubiquitin protein ligase family member 1; minus strand). Cytogenetic location: 15q22.31.
Variant type: single nucleotide variant.
Coding change: c.6133G>A on transcript NM_003922.4 (MANE Select); coding-DNA position 6133, G replaced by A.
Protein change: p.Val2045Met; replaces valine 2045 with methionine.
Molecular consequence: missense variant.
Genome position (GRCh38, 1-based): chr15:63,686,451, C>T on the plus strand (G>A on the coding strand, the complement: HERC1 is on the minus strand). VCF-style: chr15-63686451-C-T. GRCh37 (hg19) VCF-style: chr15-63978650-C-T.
Other names: short protein forms V2045M.
Identifiers: ClinVar variation 1916744 (VCV001916744.5), dbSNP rs746571019, ClinGen allele CA7605382.